The following is an entry in ClinVar:

ClinVar aggregate classification (germline): Uncertain significance (1 of 4 stars; one submission).

Conditions:
Multiple gastrointestinal atresias. Also called: FAMILIAL INTESTINAL POLYATRESIA SYNDROME; Multiple intestinal atresia. Identifiers: Orphanet 2300, MedGen C0220744, MONDO:0009465.

Allele frequency attached by ClinVar (database versions not stated): gnomAD exomes below 0.00001.
gnomAD v4.1: 1 of 1,614,164 alleles (0.000062%); highest among the groups gnomAD compares: Non-Finnish European, 0.000085%; no homozygotes.

Submission:

Labcorp Genetics (formerly Invitae), Labcorp
Classification: Uncertain significance for Multiple gastrointestinal atresias. Last evaluated: 2022-06-27. Review status: criteria provided, single submitter. Criteria: Invitae Variant Classification Sherloc (09022015). Collection method: clinical testing. Allele origin: germline.
Comment: This sequence change replaces asparagine, which is neutral and polar, with histidine, which is basic and polar, at codon 341 of the TTC7A protein (p.Asn341His). This variant is not present in population databases (gnomAD no frequency). Algorithms developed to predict the effect of missense changes on protein structure and function are either unavailable or do not agree on the potential impact of this missense change (SIFT: "Tolerated"; PolyPhen-2: "Probably Damaging"; Align-GVGD: "Class C0"). This variant has not been reported in the literature in individuals affected with TTC7A-related conditions. In summary, the available evidence is currently insufficient to determine the role of this variant in disease. Therefore, it has been classified as a Variant of Uncertain Significance.

NM_020458.4(TTC7A):c.1021A>C (p.Asn341His)

Gene: TTC7A (tetratricopeptide repeat domain 7A; plus strand). Cytogenetic location: 2p21.
Variant type: single nucleotide variant.
Coding change: c.1021A>C on transcript NM_020458.4 (MANE Select); coding-DNA position 1021, A replaced by C.
Protein change: p.Asn341His; replaces asparagine 341 with histidine.
Molecular consequence: missense variant. On other transcripts: 5 prime UTR variant (1).
Genome position (GRCh38, 1-based): chr2:46,995,155, A>C. VCF-style: chr2-46995155-A-C. GRCh37 (hg19) VCF-style: chr2-47222294-A-C.
Other names: c.1021A>C, p.Asn341His (NM_001288951.2); c.919A>C, p.Asn307His (NM_001288953.2); c.-42A>C (NM_001288955.2); short protein forms N307H, N341H.
Identifiers: ClinVar variation 1465103 (VCV001465103.6), dbSNP rs1343390351, ClinGen allele CA346713950.